The following is an entry in ClinVar:

NM_014028.4(OSTM1):c.410C>G (p.Ser137Ter)

Gene: OSTM1 (osteoclastogenesis associated transmembrane protein 1; minus strand). Cytogenetic location: 6q21.
Variant type: single nucleotide variant.
Coding change: c.410C>G on transcript NM_014028.4 (MANE Select); coding-DNA position 410, C replaced by G.
Protein change: p.Ser137Ter; replaces serine 137 with a stop codon.
Molecular consequence: nonsense.
Genome position (GRCh38, 1-based): chr6:108,064,292, G>C on the plus strand (C>G on the coding strand, the complement: OSTM1 is on the minus strand). VCF-style: chr6-108064292-G-C. GRCh37 (hg19) VCF-style: chr6-108385496-G-C.
Other names: short protein forms S137*.
Identifiers: ClinVar variation 1382109 (VCV001382109.6), dbSNP rs2114606433, ClinGen allele CA365329510.

ClinVar aggregate classification (germline): Pathogenic (1 of 4 stars; one submission).

Allele frequency attached by ClinVar (database versions not stated): gnomAD exomes below 0.00001.
gnomAD v4.1: 2 of 1,519,944 alleles (0.00013%); highest among the groups gnomAD compares: South Asian, 0.0011%; no homozygotes.

Submission:

Labcorp Genetics (formerly Invitae), Labcorp
Classification: Pathogenic. Last evaluated: 2022-07-12. Review status: criteria provided, single submitter. Criteria: Invitae Variant Classification Sherloc (09022015). Collection method: clinical testing. Allele origin: germline.
Comment: For these reasons, this variant has been classified as Pathogenic. ClinVar contains an entry for this variant (Variation ID: 1382109). This variant has not been reported in the literature in individuals affected with OSTM1-related conditions. This variant is not present in population databases (gnomAD no frequency). This sequence change creates a premature translational stop signal (p.Ser137*) in the OSTM1 gene. It is expected to result in an absent or disrupted protein product. Loss-of-function variants in OSTM1 are known to be pathogenic (PMID: 12627228, 15108279, 16813530).

Literature cited by the submitters: PubMed 12627228; PubMed 15108279; PubMed 16813530.